The following is an entry in ClinVar:

ClinVar aggregate classification (germline): Uncertain significance (1 of 4 stars; one submission).

Submission:

Labcorp Genetics (formerly Invitae), Labcorp
Classification: Uncertain significance. Last evaluated: 2025-02-02. Review status: criteria provided, single submitter. Criteria: Invitae Variant Classification Sherloc (09022015). Collection method: clinical testing. Allele origin: germline.
Comment: This sequence change replaces alanine, which is neutral and non-polar, with glycine, which is neutral and non-polar, at codon 91 of the RPSA protein (p.Ala91Gly). This variant is present in population databases (no rsID available, gnomAD 0.01%). This variant has not been reported in the literature in individuals affected with RPSA-related conditions. Invitae Evidence Modeling of protein sequence and biophysical properties (such as structural, functional, and spatial information, amino acid conservation, physicochemical variation, residue mobility, and thermodynamic stability) indicates that this missense variant is not expected to disrupt RPSA protein function with a negative predictive value of 80%. In summary, the available evidence is currently insufficient to determine the role of this variant in disease. Therefore, it has been classified as a Variant of Uncertain Significance.

NM_002295.6(RPSA):c.272C>G (p.Ala91Gly)

Gene: RPSA (ribosomal protein SA; plus strand). Cytogenetic location: 3p22.1.
Variant type: single nucleotide variant.
Coding change: c.272C>G on transcript NM_002295.6 (MANE Select); coding-DNA position 272, C replaced by G.
Protein change: p.Ala91Gly; replaces alanine 91 with glycine.
Molecular consequence: missense variant.
Genome position (GRCh38, 1-based): chr3:39,410,773, C>G. VCF-style: chr3-39410773-C-G. GRCh37 (hg19) VCF-style: chr3-39452264-C-G.
Other names: c.287C>G, p.Ala96Gly (NM_001304288.2); short protein forms A91G, A96G.
Identifiers: ClinVar variation 3689303 (VCV003689303.2).